The following is an entry in ClinVar:

ClinVar aggregate classification (germline): Uncertain significance. Review status: criteria provided, single submitter (1 of 4 stars). 2 submissions from 2 submitters: Uncertain significance (1). 1 of the submissions does not count toward it. Last evaluated 2022-03-11.

Conditions:
CHARGE syndrome (CHARGE). Also called: Hittner Hirsch Kreh syndrome; CHARGE ASSOCIATION--COLOBOMA, HEART ANOMALY, CHOANAL ATRESIA, RETARDATION, GENITAL AND EAR ANOMALIES; Coloboma, heart anomaly, choanal atresia, retardation, genital and ear anomalies; CHARGE association; Hall-Hittner syndrome. Identifiers: Orphanet 138, MedGen C0265354, MONDO:0008965.
SEMA3E-related disorder. Also called: SEMA3E-related condition.

Allele frequency attached by ClinVar (database versions not stated): gnomAD exomes 0.00001.
gnomAD v4.1: 20 of 1,598,152 alleles (0.0013%); highest among the groups gnomAD compares: Non-Finnish European, 0.0016%; no homozygotes.

Submissions (2):

Labcorp Genetics (formerly Invitae), Labcorp
Classification: Uncertain significance for CHARGE syndrome. Last evaluated: 2022-03-11. Review status: criteria provided, single submitter. Criteria: Invitae Variant Classification Sherloc (09022015). Collection method: clinical testing. Allele origin: germline.
Comment: In summary, the available evidence is currently insufficient to determine the role of this variant in disease. Therefore, it has been classified as a Variant of Uncertain Significance. Variants that disrupt the consensus splice site are a relatively common cause of aberrant splicing (PMID: 17576681, 9536098). Algorithms developed to predict the effect of sequence changes on RNA splicing suggest that this variant is not likely to affect RNA splicing. This variant has not been reported in the literature in individuals affected with SEMA3E-related conditions. This variant is not present in population databases (gnomAD no frequency). This sequence change falls in intron 5 of the SEMA3E gene. It does not directly change the encoded amino acid sequence of the SEMA3E protein. It affects a nucleotide within the consensus splice site.

PreventionGenetics, part of Exact Sciences
Classification: Likely benign for SEMA3E-related condition. Last evaluated: 2023-07-25. Review status: no assertion criteria provided. Collection method: clinical testing. Allele origin: germline. Not counted in ClinVar's aggregate classification.
Comment: This variant is classified as likely benign based on ACMG/AMP sequence variant interpretation guidelines (Richards et al. 2015 PMID: 25741868, with internal and published modifications).

Literature cited by the submitters: PubMed 17576681 (cited by Labcorp Genetics (formerly Invitae), Labcorp); PubMed 9536098 (cited by Labcorp Genetics (formerly Invitae), Labcorp).

NM_012431.3(SEMA3E):c.550+5T>C

Gene: SEMA3E (semaphorin 3E; minus strand). Cytogenetic location: 7q21.11.
Variant type: single nucleotide variant.
Coding change: c.550+5T>C on transcript NM_012431.3 (MANE Select); 5 bases into the intron after coding-DNA position 550, T replaced by C.
Molecular consequence: intron variant.
Genome position (GRCh38, 1-based): chr7:83,418,385, A>G on the plus strand (T>C on the coding strand, the complement: SEMA3E is on the minus strand). VCF-style: chr7-83418385-A-G. GRCh37 (hg19) VCF-style: chr7-83047701-A-G.
Other names: c.370+5T>C (NM_001178129.2); c.550+5T>C (NM_012431.2).
Identifiers: ClinVar variation 2157355 (VCV002157355.6), dbSNP rs1219343700, ClinGen allele CA575819304.